The following is an entry in ClinVar:

NM_001165963.4(SCN1A):c.4002+2048C>T

Genes: SCN1A (sodium voltage-gated channel alpha subunit 1; minus strand), LOC102724058 (uncharacterized LOC102724058; plus strand). Cytogenetic location: 2q24.3.
Variant type: single nucleotide variant.
Coding change: c.4002+2048C>T on transcript NM_001165963.4 (MANE Select); 2048 bases into the intron after coding-DNA position 4002, C replaced by T.
Molecular consequence: intron variant.
Genome position (GRCh38, 1-based): chr2:166,007,671, G>A on the plus strand (C>T on the coding strand, the complement: SCN1A is on the minus strand). VCF-style: chr2-166007671-G-A. GRCh37 (hg19) VCF-style: chr2-166864181-G-A.
Other names: c.3969+2048C>T (NM_001353949.2, NM_001353950.2, NM_001353951.2 and 2 more transcripts); c.3918+2048C>T (NM_001353958.2, NM_001353957.2, NM_001165964.3); c.4002+2048C>T (NM_001202435.3, NM_001353948.2); c.3966+2048C>T (NM_001353955.2, NM_001353954.2); c.3915+2048C>T (NM_001353960.2); c.1560+2048C>T (NM_001353961.2).
Identifiers: ClinVar variation 1673146 (VCV001673146.9), dbSNP rs890146293, ClinGen allele CA59771719.

ClinVar aggregate classification (germline): Uncertain significance (1 of 4 stars; one submission).

Conditions:
Early-infantile DEE. Also called: Early infantile epileptic encephalopathy; Ohtahara syndrome; Early infantile epileptic encephalopathy with suppression bursts. Identifiers: Orphanet 1934, MedGen C0393706, MONDO:0800491.

Allele frequency attached by ClinVar (database versions not stated): gnomAD 0.00008 and 0.00009; TOPMed 0.00010.
gnomAD v4.1: 12 of 151,346 alleles (0.0079%); highest among the groups gnomAD compares: African/African-American, 0.027%; no homozygotes.

Submission:

Labcorp Genetics (formerly Invitae), Labcorp
Classification: Uncertain significance for Early-infantile DEE. Last evaluated: 2026-01-19. Review status: criteria provided, single submitter. Criteria: Invitae Variant Classification Sherloc (09022015). Collection method: clinical testing. Allele origin: germline.
Comment: This sequence change falls in intron 20 of the SCN1A gene. It does not directly change the encoded amino acid sequence of the SCN1A protein. However, this sequence change falls within a region encompassing a cryptic exon in the SCN1A gene, in which variants have been shown to alter splicing (PMID: 30526861, 34107977). This variant is present in population databases (no rsID available, gnomAD 0.03%). This variant has not been reported in the literature in individuals affected with SCN1A-related conditions. ClinVar contains an entry for this variant (Variation ID: 1673146). Algorithms developed to predict the effect of sequence changes on RNA splicing suggest that this variant is not likely to affect RNA splicing. In summary, the available evidence is currently insufficient to determine the role of this variant in disease. Therefore, it has been classified as a Variant of Uncertain Significance.

Literature cited by the submitters: PubMed 30526861; PubMed 34107977.